The following is an entry in ClinVar:

NM_003612.5(SEMA7A):c.373-7C>T

Gene: SEMA7A (semaphorin 7A (JohnMiltonHagen blood group); minus strand). Cytogenetic location: 15q24.1.
Variant type: single nucleotide variant.
Coding change: c.373-7C>T on transcript NM_003612.5 (MANE Select); 7 bases into the intron before coding-DNA position 373, C replaced by T.
Molecular consequence: intron variant.
Genome position (GRCh38, 1-based): chr15:74,417,976, G>A on the plus strand (C>T on the coding strand, the complement: SEMA7A is on the minus strand). VCF-style: chr15-74417976-G-A. GRCh37 (hg19) VCF-style: chr15-74710317-G-A.
Other names: c.331-7C>T (NM_001146029.3); c.-123-7C>T (NM_001146030.3).
Identifiers: ClinVar variation 4980408 (VCV004980408.1).

ClinVar aggregate classification (germline): Likely benign (1 of 4 stars; one submission).

Conditions:
SEMA7A-related disorder. Also called: SEMA7A-related condition.

gnomAD v4.1: 181 of 1,612,120 alleles (0.011%); highest among the groups gnomAD compares: Middle Eastern, 0.36%; no homozygotes.

Submission:

PreventionGenetics, part of Exact Sciences
Classification: Likely benign for SEMA7A-related condition. Last evaluated: 2026-06-26. Review status: criteria provided, single submitter. Criteria: ACMG Guidelines, 2015. Collection method: clinical testing. Allele origin: germline.
Comment: This variant is classified as likely benign based on ACMG/AMP sequence variant interpretation guidelines (Richards et al. 2015 PMID: 25741868, with internal and published modifications).